The following is an entry in ClinVar:

ClinVar aggregate classification (germline): Uncertain significance (1 of 4 stars; one submission).

Conditions:
Epilepsy, progressive myoclonic, 1B. Also called: PME. Identifiers: Orphanet 308, MedGen C2676254, MONDO:0012904, OMIM 612437.

Allele frequency attached by ClinVar (database versions not stated): ExAC 0.00002; TOPMed 0.00002.
gnomAD v4.1: 32 of 1,614,104 alleles (0.002%); highest among the groups gnomAD compares: East Asian, 0.067%; no homozygotes.

Submission:

Labcorp Genetics (formerly Invitae), Labcorp
Classification: Uncertain significance for Epilepsy, progressive myoclonic, 1B. Last evaluated: 2025-10-22. Review status: criteria provided, single submitter. Criteria: Invitae Variant Classification Sherloc (09022015). Collection method: clinical testing. Allele origin: germline.
Comment: This sequence change replaces alanine, which is neutral and non-polar, with serine, which is neutral and polar, at codon 541 of the PRICKLE1 protein (p.Ala541Ser). This variant is present in population databases (rs763169354, gnomAD 0.03%). This missense change has been observed in individual(s) with epilepsy (PMID: 31875159). ClinVar contains an entry for this variant (Variation ID: 469505). Invitae Evidence Modeling of protein sequence and biophysical properties (such as structural, functional, and spatial information, amino acid conservation, physicochemical variation, residue mobility, and thermodynamic stability) indicates that this missense variant is not expected to disrupt PRICKLE1 protein function with a negative predictive value of 80%. In summary, the available evidence is currently insufficient to determine the role of this variant in disease. Therefore, it has been classified as a Variant of Uncertain Significance.

Literature cited by the submitters: PubMed 31875159.

NM_153026.3(PRICKLE1):c.1621G>T (p.Ala541Ser)

Gene: PRICKLE1 (prickle planar cell polarity protein 1; minus strand). Cytogenetic location: 12q12.
Variant type: single nucleotide variant.
Coding change: c.1621G>T on transcript NM_153026.3 (MANE Select); coding-DNA position 1621, G replaced by T.
Protein change: p.Ala541Ser; replaces alanine 541 with serine.
Molecular consequence: missense variant.
Genome position (GRCh38, 1-based): chr12:42,464,413, C>A on the plus strand (G>T on the coding strand, the complement: PRICKLE1 is on the minus strand). VCF-style: chr12-42464413-C-A. GRCh37 (hg19) VCF-style: chr12-42858215-C-A.
Other names: c.1621G>T, p.Ala541Ser (NM_001144881.2, NM_001144882.2, NM_001144883.2); short protein forms A541S.
Identifiers: ClinVar variation 469505 (VCV000469505.7), dbSNP rs763169354, ClinGen allele CA6519729.